The following is an entry in ClinVar:

ClinVar aggregate classification (germline): Uncertain significance (1 of 4 stars; one submission).

Conditions:
Autosomal recessive ataxia, Beauce type. Also called: ATAXIA, RECESSIVE, OF BEAUCE; Spinocerebellar ataxia, autosomal recessive 8; SYNE1-Related Autosomal Recessive Cerebellar Ataxia; SYNE1 Deficiency. Identifiers: Orphanet 88644, MedGen C1853116, MONDO:0012549, OMIM 610743.
Emery-Dreifuss muscular dystrophy 4, autosomal dominant (EDMD4). Also called: EMERY-DREIFUSS MUSCULAR DYSTROPHY 4 WITH VARIABLE FEATURES. Identifiers: Orphanet 261, MedGen C2751807, MONDO:0013071, OMIM 612998.

Allele frequency attached by ClinVar (database versions not stated): TOPMed below 0.00001; gnomAD 0.00001; gnomAD exomes 0.00001.
gnomAD v4.1: 19 of 1,613,892 alleles (0.0012%); highest among the groups gnomAD compares: Non-Finnish European, 0.0015%; no homozygotes.

Submission:

Labcorp Genetics (formerly Invitae), Labcorp
Classification: Uncertain significance for Emery-Dreifuss muscular dystrophy 4, autosomal dominant; Autosomal recessive ataxia, Beauce type. Last evaluated: 2022-06-20. Review status: criteria provided, single submitter. Criteria: Invitae Variant Classification Sherloc (09022015). Collection method: clinical testing. Allele origin: germline.
Comment: In summary, the available evidence is currently insufficient to determine the role of this variant in disease. Therefore, it has been classified as a Variant of Uncertain Significance. Algorithms developed to predict the effect of missense changes on protein structure and function output the following: SIFT: "Tolerated"; PolyPhen-2: "Benign"; Align-GVGD: "Class C0". The alanine amino acid residue is found in multiple mammalian species, which suggests that this missense change does not adversely affect protein function. ClinVar contains an entry for this variant (Variation ID: 1025409). This variant has not been reported in the literature in individuals affected with SYNE1-related conditions. This variant is not present in population databases (gnomAD no frequency). This sequence change replaces threonine, which is neutral and polar, with alanine, which is neutral and non-polar, at codon 726 of the SYNE1 protein (p.Thr726Ala).

NM_182961.4(SYNE1):c.2155A>G (p.Thr719Ala)

Gene: SYNE1 (spectrin repeat containing nuclear envelope protein 1; minus strand). Cytogenetic location: 6q25.2.
Variant type: single nucleotide variant.
Coding change: c.2155A>G on transcript NM_182961.4 (MANE Select); coding-DNA position 2155, A replaced by G.
Protein change: p.Thr719Ala; replaces threonine 719 with alanine.
Molecular consequence: missense variant.
Genome position (GRCh38, 1-based): chr6:152,462,833, T>C on the plus strand (A>G on the coding strand, the complement: SYNE1 is on the minus strand). VCF-style: chr6-152462833-T-C. GRCh37 (hg19) VCF-style: chr6-152783968-T-C.
Other names: c.2176A>G, p.Thr726Ala (NM_033071.5); short protein forms T719A, T726A.
Identifiers: ClinVar variation 1025409 (VCV001025409.6), dbSNP rs1792916692, ClinGen allele CA366122883.